The following is an entry in ClinVar:

NM_152564.5(VPS13B):c.1642A>G (p.Ser548Gly)

Gene: VPS13B (vacuolar protein sorting 13 homolog B; plus strand). Cytogenetic location: 8q22.2.
Variant type: single nucleotide variant.
Coding change: c.1642A>G on transcript NM_152564.5 (MANE Select); coding-DNA position 1642, A replaced by G.
Protein change: p.Ser548Gly; replaces serine 548 with glycine.
Molecular consequence: missense variant.
Genome position (GRCh38, 1-based): chr8:99,136,743, A>G. VCF-style: chr8-99136743-A-G. GRCh37 (hg19) VCF-style: chr8-100148971-A-G.
Other names: c.1642A>G (NM_152564.4); c.1642A>G, p.Ser548Gly (NM_015243.3, NM_017890.5); short protein forms S548G.
Identifiers: ClinVar variation 1430243 (VCV001430243.6), dbSNP rs1372588907, ClinGen allele CA371863583.

ClinVar aggregate classification (germline): Uncertain significance. Review status: criteria provided, multiple submitters, no conflicts (2 of 4 stars). 2 submissions from 2 submitters: Uncertain significance (2). Last evaluated 2025-10-03.

Conditions:
Cohen syndrome (COH1). Also called: PEPPER SYNDROME; Cutis verticis gyrata, retinitis pigmentosa, and sensorineural deafness. Identifiers: Orphanet 193, MedGen C0265223, MONDO:0008999, OMIM 216550.
VPS13B-related disorder. Also called: VPS13B-related condition.

Allele frequency attached by ClinVar (database versions not stated): gnomAD exomes below 0.00001; gnomAD 0.00001; TOPMed 0.00001.
gnomAD v4.1: 5 of 1,613,396 alleles (0.00031%); highest among the groups gnomAD compares: Middle Eastern, 0.016%; no homozygotes.

Submissions (2):

PreventionGenetics, part of Exact Sciences
Classification: Uncertain significance for VPS13B-related condition. Last evaluated: 2025-10-03. Review status: criteria provided, single submitter. Criteria: ACMG Guidelines, 2015. Collection method: clinical testing. Allele origin: germline.
Comment: The VPS13B c.1642A>G variant is predicted to result in the amino acid substitution p.Ser548Gly. To our knowledge, this variant has not been reported in the literature. This variant is reported in 0.0% of alleles in individuals of African descent in gnomAD. At this time, the clinical significance of this variant is uncertain due to the absence of conclusive functional and genetic evidence.

Labcorp Genetics (formerly Invitae), Labcorp
Classification: Uncertain significance for Cohen syndrome. Last evaluated: 2022-09-29. Review status: criteria provided, single submitter. Criteria: Invitae Variant Classification Sherloc (09022015). Collection method: clinical testing. Allele origin: germline.
Comment: This sequence change replaces serine, which is neutral and polar, with glycine, which is neutral and non-polar, at codon 548 of the VPS13B protein (p.Ser548Gly). This variant is present in population databases (no rsID available, gnomAD no frequency). This variant has not been reported in the literature in individuals affected with VPS13B-related conditions. ClinVar contains an entry for this variant (Variation ID: 1430243). Advanced modeling of protein sequence and biophysical properties (such as structural, functional, and spatial information, amino acid conservation, physicochemical variation, residue mobility, and thermodynamic stability) performed at Invitae indicates that this missense variant is not expected to disrupt VPS13B protein function. In summary, the available evidence is currently insufficient to determine the role of this variant in disease. Therefore, it has been classified as a Variant of Uncertain Significance.